The following is an entry in ClinVar:

NM_133510.4(RAD51B):c.820G>C (p.Val274Leu)

Gene: RAD51B (RAD51 paralog B; plus strand). Cytogenetic location: 14q24.1.
Variant type: single nucleotide variant.
Coding change: c.820G>C on transcript NM_133510.4 (MANE Select); coding-DNA position 820, G replaced by C.
Protein change: p.Val274Leu; replaces valine 274 with leucine.
Molecular consequence: missense variant.
Genome position (GRCh38, 1-based): chr14:68,291,947, G>C. VCF-style: chr14-68291947-G-C. GRCh37 (hg19) VCF-style: chr14-68758664-G-C.
Other names: c.820G>C, p.Val274Leu (NM_001321809.2, NM_001321810.2, NM_001321812.1 and 6 more transcripts); c.706G>C, p.Val236Leu (NM_001321815.1); c.463G>C, p.Val155Leu (NM_001321817.2); short protein forms V236L, V274L, V155L.
Identifiers: ClinVar variation 4149863 (VCV004149863.1).
Genomic context (GRCh38, chr14:68,291,947, plus strand): 5'-ATCTTGACGAATCAGATTACAACCCATCTGAGTGGAGCCCTGGCTTCTCAGGCAGACCTG[G>C]TGTCTCCAGCTGATGATTTGTCCCTGTCTGAAGGTAAGGAATCTGTCCTGGAGAGGCTGA-3'
Protein context (NP_598194.1, residues 264-284): SGALASQADL[Val274Leu]SPADDLSLSE

ClinVar aggregate classification (germline): Uncertain significance (1 of 4 stars; one submission).

gnomAD v4.1: 5 of 1,613,668 alleles (0.00031%); highest among the groups gnomAD compares: South Asian, 0.0044%; no homozygotes.

Submission:

Ambry Genetics
Classification: Uncertain significance. Last evaluated: 2025-09-01. Review status: criteria provided, single submitter. Criteria: Ambry Variant Classification Scheme 2023. Collection method: clinical testing. Allele origin: germline.
Comment: The p.V274L variant (also known as c.820G>C), located in coding exon 7 of the RAD51B gene, results from a G to C substitution at nucleotide position 820. The valine at codon 274 is replaced by leucine, an amino acid with highly similar properties. This amino acid position is conserved. In addition, this alteration is predicted to be tolerated by in silico analysis. Based on the available evidence, the clinical significance of this variant remains unclear.